The following is an entry in ClinVar:

NM_001166108.2(PALLD):c.1965-12742A>T

Gene: PALLD (palladin, cytoskeletal associated protein; plus strand). Cytogenetic location: 4q32.3.
Variant type: single nucleotide variant.
Coding change: c.1965-12742A>T on transcript NM_001166108.2 (MANE Select); 12742 bases into the intron before coding-DNA position 1965, A replaced by T.
Molecular consequence: intron variant. On other transcripts: missense variant (1).
Genome position (GRCh38, 1-based): chr4:168,878,180, A>T. VCF-style: chr4-168878180-A-T. GRCh37 (hg19) VCF-style: chr4-169799331-A-T.
Other names: c.289A>T, p.Ser97Cys (NM_001166110.2); c.1965-12742A>T (NM_016081.4); c.819-12742A>T (NM_001166109.2); c.-157-12742A>T (NM_001367570.1, NM_001367568.1, NM_001367567.1 and 1 more transcripts); short protein forms S97C.
Identifiers: ClinVar variation 3927528 (VCV003927528.1).

ClinVar aggregate classification (germline): Uncertain significance (1 of 4 stars; one submission).

gnomAD v4.1: 2 of 1,479,764 alleles (0.00014%); highest among the groups gnomAD compares: African/African-American, 0.0032%; no homozygotes.

Submission:

Ambry Genetics
Classification: Uncertain significance. Last evaluated: 2025-04-07. Review status: criteria provided, single submitter. Criteria: Ambry Variant Classification Scheme 2023. Collection method: clinical testing. Allele origin: germline.
Comment: The p.S97C variant (also known as c.289A>T), located in coding exon 1 of the PALLD gene, results from an A to T substitution at nucleotide position 289. The serine at codon 97 is replaced by cysteine, an amino acid with dissimilar properties. This amino acid position is conserved. In addition, this alteration is predicted to be tolerated by in silico analysis. Based on the available evidence, the clinical significance of this variant remains unclear.